The following is an entry in ClinVar:

ClinVar aggregate classification (germline): Likely benign. Review status: criteria provided, multiple submitters, no conflicts (2 of 4 stars). 2 submissions from 2 submitters: Likely benign (2). Last evaluated 2024-10-22.

Conditions:
Progressive myoclonic epilepsy. Also called: Familial progressive myoclonic epilepsy; Myoclonus epilepsy; Progressive myoclonus epilepsy; Myoclonic Epilepsies, Progressive. Identifiers: Orphanet 308, Orphanet 98261, MedGen C0751778, MONDO:0020074.

Allele frequency attached by ClinVar (database versions not stated): gnomAD exomes below 0.00001 and 0.00001; ExAC 0.00001; gnomAD 0.00006; TOPMed 0.00006; 1000 Genomes Project 30x 0.00016; 1000 Genomes Project 0.00020.
gnomAD v4.1: 12 of 1,611,752 alleles (0.00074%); highest among the groups gnomAD compares: African/African-American, 0.013%; no homozygotes.

Submissions (2):

Labcorp Genetics (formerly Invitae), Labcorp
Classification: Likely benign for Progressive myoclonic epilepsy. Last evaluated: 2024-10-22. Review status: criteria provided, single submitter. Criteria: Invitae Variant Classification Sherloc (09022015). Collection method: clinical testing. Allele origin: germline.

GeneDx
Classification: Likely benign. Last evaluated: 2017-05-11. Review status: criteria provided, single submitter. Criteria: GeneDx Variant Classification (06012015). Collection method: clinical testing. Allele origin: germline. Affected: yes.
Comment: This variant is considered likely benign or benign based on one or more of the following criteria: it is a conservative change, it occurs at a poorly conserved position in the protein, it is predicted to be benign by multiple in silico algorithms, and/or has population frequency not consistent with disease.

NM_005506.4(SCARB2):c.1187+12T>C

Gene: SCARB2 (scavenger receptor class B member 2; minus strand). Cytogenetic location: 4q21.1.
Variant type: single nucleotide variant.
Coding change: c.1187+12T>C on transcript NM_005506.4 (MANE Select); 12 bases into the intron after coding-DNA position 1187, T replaced by C.
Molecular consequence: intron variant.
Genome position (GRCh38, 1-based): chr4:76,168,391, A>G on the plus strand (T>C on the coding strand, the complement: SCARB2 is on the minus strand). VCF-style: chr4-76168391-A-G. GRCh37 (hg19) VCF-style: chr4-77089544-A-G.
Other names: c.758+12T>C (NM_001204255.2).
Identifiers: ClinVar variation 509512 (VCV000509512.9), dbSNP rs532651260, ClinGen allele CA2970169.